The following is an entry in ClinVar:

NM_024079.5(ALG8):c.547-2A>G

Gene: ALG8 (ALG8 alpha-1,3-glucosyltransferase; minus strand). Cytogenetic location: 11q14.1.
Variant type: single nucleotide variant.
Coding change: c.547-2A>G on transcript NM_024079.5 (MANE Select); the canonical splice acceptor site of the intron before coding-DNA position 547, A replaced by G.
Molecular consequence: splice acceptor variant. On other transcripts: intron variant (2).
Genome position (GRCh38, 1-based): chr11:78,114,394, T>C on the plus strand (A>G on the coding strand, the complement: ALG8 is on the minus strand). VCF-style: chr11-78114394-T-C. GRCh37 (hg19) VCF-style: chr11-77825440-T-C.
Other names: c.394-2A>G (NM_001425226.1, NM_001425236.1, NM_001425235.1); c.532-2A>G (NM_001425220.1); c.31-2A>G (NM_001425241.1); c.546+4788A>G (NM_001425240.1); c.-4-7A>G (NM_001425242.1); c.547-2A>G (NM_001425238.1, NM_001425233.1, NM_001425223.1 and 11 more transcripts); c.640-2A>G (NM_001425224.1); c.550-2A>G (NM_001425219.1); and 2 more.
Identifiers: ClinVar variation 3906841 (VCV003906841.1).

ClinVar aggregate classification (germline): Likely pathogenic (1 of 4 stars; one submission).

Conditions:
Familial cystic renal disease. Identifiers: Orphanet 93587, MedGen C5680285, MONDO:0019741.

Submission:

Mayo Translational Polycystic Kidney Disease Center, Mayo Clinic
Classification: Likely pathogenic for Familial cystic renal disease. Last evaluated: 2025-06-01. Review status: criteria provided, single submitter. Criteria: ACMG Guidelines, 2015. Collection method: research. Allele origin: germline. Inheritance: Autosomal dominant inheritance. Affected: yes.
Comment: The c.547-2A>G variant in the ALG8 gene affects the highly conserved canonical splice acceptor site of intron 5. Such variants are predicted to disrupt normal mRNA splicing, likely resulting in exon skipping or the use of a cryptic splice site, which can lead to a frameshift or premature stop codon and loss of normal protein function. This supports the application of the PVS1 criterion for a predicted null variant in a gene where loss of function is a known disease mechanism. The variant is absent from gnomAD v4.1.0, fulfilling the PM2 criterion for rarity. Clinically, this variant was identified in an individual with very mild bilateral kidney and liver cysts, consistent with the phenotype observed in ALG8-related cystic disease, supporting PP4 (Jawaid, 2025). Taken together, these findings support a likely pathogenic classification.

Literature cited by the submitters: PubMed 39899384.